The following is an entry in ClinVar:

NM_001267550.2(TTN):c.81565C>G (p.Leu27189Val)

Genes: TTN-AS1 (TTN antisense RNA 1; plus strand), TTN (titin; minus strand). Cytogenetic location: 2q31.2.
Variant type: single nucleotide variant.
Coding change: c.81565C>G on transcript NM_001267550.2 (MANE Select); coding-DNA position 81565, C replaced by G.
Protein change: p.Leu27189Val; replaces leucine 27189 with valine.
Molecular consequence: missense variant.
Genome position (GRCh38, 1-based): chr2:178,564,567, G>C on the plus strand (C>G on the coding strand, the complement: TTN is on the minus strand). VCF-style: chr2-178564567-G-C. GRCh37 (hg19) VCF-style: chr2-179429294-G-C.
Other names: p.L25548V:CTG>GTG; c.54370C>G, p.Leu18124Val (NM_003319.4); c.54745C>G, p.Leu18249Val (NM_133432.3); c.54946C>G, p.Leu18316Val (NM_133437.4); c.76642C>G, p.Leu25548Val (NM_001256850.1); c.73861C>G, p.Leu24621Val (NM_133378.4); short protein forms L24621V, L27189V, L25548V, L18316V, L18249V, L18124V.
Identifiers: ClinVar variation 178915 (VCV000178915.17), dbSNP rs142391957, ClinGen allele CA183299.

ClinVar aggregate classification (germline): Conflicting classifications of pathogenicity. Review status: criteria provided, conflicting classifications (1 of 4 stars). 8 submissions from 8 submitters: Uncertain significance (5); Likely benign (1). 2 of the submissions do not count toward it. Last evaluated 2026-01-16.

Conditions:
TTN-related disorder. Also called: TTN-related condition; TTN-related disease; TTN-related disorders.
Cardiovascular phenotype. Identifiers: MedGen CN230736.

Allele frequency attached by ClinVar (database versions not stated): ExAC 0.00003; gnomAD 0.00009; TOPMed 0.00010; 1000 Genomes Project 30x 0.00016; 1000 Genomes Project 0.00020.
gnomAD v4.1: 25 of 1,613,410 alleles (0.0015%); highest among the groups gnomAD compares: African/African-American, 0.029%; no homozygotes.

Submissions (8):

PreventionGenetics, part of Exact Sciences
Classification: Uncertain significance for TTN-related condition. Last evaluated: 2026-01-16. Review status: criteria provided, single submitter. Criteria: ACMG Guidelines, 2015. Collection method: clinical testing. Allele origin: germline.
Comment: The TTN c.81565C>G variant is predicted to result in the amino acid substitution p.Leu27189Val. This variant has been reported in a cohort study of individuals with left ventricular noncompaction (Table S2, Mazzarotto et al. 2021. PubMed ID: 33500567). This variant is reported in 0.029% of alleles in individuals of African descent in gnomAD. At this time, the clinical significance of this variant is uncertain due to the absence of conclusive functional and genetic evidence.

Mayo Clinic Laboratories, Mayo Clinic
Classification: Uncertain significance. Last evaluated: 2025-02-08. Review status: criteria provided, single submitter. Criteria: ACMG Guidelines, 2015. Collection method: clinical testing. Allele origin: germline. Observed: 1 variant allele.

Ambry Genetics
Classification: Uncertain significance for Cardiovascular phenotype. Last evaluated: 2019-08-22. Review status: criteria provided, single submitter. Criteria: Ambry Variant Classification Scheme 2023. Collection method: clinical testing. Allele origin: germline.
Comment: The p.L18124V variant (also known as c.54370C>G), located in coding exon 153 of the TTN gene, results from a C to G substitution at nucleotide position 54370. The leucine at codon 18124 is replaced by valine, an amino acid with highly similar properties. This amino acid position is highly conserved in available vertebrate species. In addition, this alteration is predicted to be tolerated by in silico analysis. Since supporting evidence is limited at this time, the clinical significance of this alteration remains unclear.

GeneDx
Classification: Likely benign. Last evaluated: 2018-03-27. Review status: criteria provided, single submitter. Criteria: GeneDx Variant Classification Process June 2021. Collection method: clinical testing. Allele origin: germline. Affected: yes.

Eurofins Ntd Llc (ga)
Classification: Uncertain significance. Last evaluated: 2016-09-01. Review status: criteria provided, single submitter. Criteria: EGL Classification Definitions 2015. Collection method: clinical testing. Allele origin: germline. Observed: 1 variant allele, 1 heterozygote.

Laboratory for Molecular Medicine, Mass General Brigham Personalized Medicine
Classification: Uncertain significance. Last evaluated: 2013-04-26. Review status: criteria provided, single submitter. Criteria: LMM Criteria. Collection method: clinical testing. Allele origin: germline. Observed: 1 variant allele.
Comment: The Leu24621Val variant in TTN has not been reported in individuals with cardiom yopathy, but has been identified in 1/192 chromosomes (Luhya population) by the 1000 Genomes Project (dbSNP rs142391957). Computational analyses (biochemical am ino acid properties, conservation, AlignGVGD, PolyPhen2, and SIFT) do not provid e strong support for or against an impact to the protein. At this time, addition al information is needed to fully assess the clinical significance of this varia nt.

Clinical Genetics, Academic Medical Center
Classification: Uncertain significance. Review status: no assertion criteria provided. Collection method: clinical testing. Allele origin: germline. Affected: yes. Study: VKGL Data-share Consensus. Not counted in ClinVar's aggregate classification.

Genome Diagnostics Laboratory, University Medical Center Utrecht
Classification: Uncertain significance. Review status: no assertion criteria provided. Collection method: clinical testing. Allele origin: germline. Affected: yes. Study: VKGL Data-share Consensus. Not counted in ClinVar's aggregate classification.

Literature cited by the submitters: PubMed 33500567 (cited by Mayo Clinic Laboratories, Mayo Clinic).